The following is an entry in ClinVar:

ClinVar aggregate classification (germline): Uncertain significance (1 of 4 stars; one submission).

Conditions:
Idiopathic generalized epilepsy. Also called: EIG; Generalised epilepsy. Identifiers: MedGen C0270850, MONDO:0005579, OMIM 600669.

Submission:

Labcorp Genetics (formerly Invitae), Labcorp
Classification: Uncertain significance for Idiopathic generalized epilepsy. Last evaluated: 2021-03-07. Review status: criteria provided, single submitter. Criteria: Invitae Variant Classification Sherloc (09022015). Collection method: clinical testing. Allele origin: germline.
Comment: Algorithms developed to predict the effect of missense changes on protein structure and function (SIFT, PolyPhen-2, Align-GVGD) all suggest that this variant is likely to be tolerated, but these predictions have not been confirmed by published functional studies and their clinical significance is uncertain. This variant has not been reported in the literature in individuals with RBFOX1-related conditions. This variant is not present in population databases (ExAC no frequency). This sequence change replaces leucine with valine at codon 24 of the RBFOX1 protein (p.Leu24Val). The leucine residue is weakly conserved and there is a small physicochemical difference between leucine and valine. In summary, the available evidence is currently insufficient to determine the role of this variant in disease. Therefore, it has been classified as a Variant of Uncertain Significance.

NM_145893.3(RBFOX1):c.70C>G (p.Leu24Val)

Gene: RBFOX1 (RNA binding fox-1 homolog 1; plus strand). Cytogenetic location: 16p13.3.
Variant type: single nucleotide variant.
Coding change: c.70C>G on transcript NM_145893.3 (MANE Plus Clinical); coding-DNA position 70, C replaced by G.
Protein change: p.Leu24Val; replaces leucine 24 with valine.
Molecular consequence: missense variant. On other transcripts: intron variant (5).
Genome position (GRCh38, 1-based): chr16:7,333,071, C>G. VCF-style: chr16-7333071-C-G. GRCh37 (hg19) VCF-style: chr16-7383072-C-G.
Other names: c.70C>G, p.Leu24Val (NM_145891.3, NM_145892.3); c.28-185076C>G (NM_001364800.2, NM_018723.4, NM_001142333.2 and 1 more transcripts); c.157-185076C>G (NM_001308117.1); short protein forms L24V.
Identifiers: ClinVar variation 1514818 (VCV001514818.8), dbSNP rs765010942, ClinGen allele CA394795283.